The following is an entry in ClinVar:

NM_004606.5(TAF1):c.3973G>A (p.Val1325Ile)

Gene: TAF1 (TATA-box binding protein associated factor 1; plus strand). Cytogenetic location: Xq13.1.
Variant type: single nucleotide variant.
Coding change: c.3973G>A on transcript NM_004606.5 (MANE Select); coding-DNA position 3973, G replaced by A.
Protein change: p.Val1325Ile; replaces valine 1325 with isoleucine.
Molecular consequence: missense variant. On other transcripts: non-coding transcript variant (9).
Genome position (GRCh38, 1-based): chrX:71,401,714, G>A. VCF-style: chrX-71401714-G-A. GRCh37 (hg19) VCF-style: chrX-70621564-G-A.
Other names: c.3973G>A, p.Val1325Ile (NM_001286074.2); c.3910G>A, p.Val1304Ile (NM_138923.4); short protein forms V1345I, V1325I, V1304I.
Identifiers: ClinVar variation 430463 (VCV000430463.5), dbSNP rs1131691982, ClinGen allele CA413534174.

ClinVar aggregate classification (germline): Likely pathogenic. Review status: criteria provided, single submitter (1 of 4 stars). 2 submissions from 2 submitters: Likely pathogenic (1). 1 of the submissions does not count toward it. Last evaluated 2017-11-08.

Conditions:
Intellectual developmental disorder, X-linked, syndromic 33. Also called: X-linked intellectual disability-global development delay-facial dysmorphism-sacral caudal remnant syndrome; Intellectual disability, X-linked, syndromic 33. Identifiers: Orphanet 480907, MedGen C4225418, MONDO:0010500, OMIM 300966.

Submissions (2):

GeneDx
Classification: Likely pathogenic. Last evaluated: 2017-11-08. Review status: criteria provided, single submitter. Criteria: GeneDx Variant Classification (06012015). Collection method: clinical testing. Allele origin: germline. Affected: yes.
Comment: The V1345I variant in the TAF1 gene has not been reported previously as a pathogenic variant, nor as a benign variant, to our knowledge. The V1345I variant was not observed in approximately 6500 individuals of European and African American ancestry in the NHLBI Exome Sequencing Project, indicating it is not a common benign variant in these populations. The V1345I variant is a conservative amino acid substitution, which occurs at a position that is conserved across species. In silico analysis is inconsistent in its predictions as to whether or not the variant is damaging to the protein structure/function. We interpret V1345I as strong candidate for a pathogenic variant

Genome Medicine, Institute for Basic Research in Developmental Disabilities
Classification: Likely pathogenic for Intellectual developmental disorder, X-linked, syndromic 33. Last evaluated: 2019-09-23. Review status: no assertion criteria provided. Collection method: clinical testing. Allele origin: de novo. Affected: yes. Not counted in ClinVar's aggregate classification.